The following is an entry in ClinVar:

NM_001370259.2(MEN1):c.465C>T (p.Ser155=)

Gene: MEN1 (menin 1; minus strand). Cytogenetic location: 11q13.1.
Variant type: single nucleotide variant.
Coding change: c.465C>T on transcript NM_001370259.2 (MANE Select); coding-DNA position 465, C replaced by T.
Protein change: p.Ser155=; no amino-acid change (serine 155 retained).
Molecular consequence: synonymous variant.
Genome position (GRCh38, 1-based): chr11:64,808,080, G>A on the plus strand (C>T on the coding strand, the complement: MEN1 is on the minus strand). VCF-style: chr11-64808080-G-A. GRCh37 (hg19) VCF-style: chr11-64575552-G-A.
Other names: c.480C>T, p.Ser160= (NM_000244.4, NM_130800.3, NM_130801.3 and 3 more transcripts); c.465C>T, p.Ser155= (NM_001370251.2, NM_001370260.2, NM_001370261.2 and 3 more transcripts).
Identifiers: ClinVar variation 457323 (VCV000457323.19), dbSNP rs936786553, ClinGen allele CA223915904.

ClinVar aggregate classification (germline): Benign/Likely benign. Review status: criteria provided, multiple submitters, no conflicts (2 of 4 stars). 5 submissions from 5 submitters: Benign (1); Likely benign (4). Last evaluated 2026-05-20.

Conditions:
MEN1-related disorder. Also called: MEN1-related condition.
Hereditary cancer-predisposing syndrome. Also called: Tumor predisposition; Hereditary neoplastic syndrome; Neoplastic Syndromes, Hereditary; Hereditary Cancer Syndrome. Identifiers: Orphanet 140162, MedGen C0027672, MeSH D009386, MONDO:0015356.
Multiple endocrine neoplasia, type 1 (MEN1). Also called: MEN I; WERMER SYNDROME; Endocrine adenomatosis multiple; MEN 1; MEA I. Identifiers: Orphanet 652, MedGen C0025267, MeSH D018761, MONDO:0007540, OMIM 131100.

Allele frequency attached by ClinVar (database versions not stated): gnomAD 0.00001; gnomAD exomes 0.00001; TOPMed 0.00001.
gnomAD v4.1: 9 of 1,612,706 alleles (0.00056%); highest among the groups gnomAD compares: Admixed American, 0.0017%; no homozygotes.

Submissions (5):

PreventionGenetics, part of Exact Sciences
Classification: Likely benign for MEN1-related condition. Last evaluated: 2026-05-20. Review status: criteria provided, single submitter. Criteria: ACMG Guidelines, 2015. Collection method: clinical testing. Allele origin: germline.
Comment: This variant is classified as likely benign based on ACMG/AMP sequence variant interpretation guidelines (Richards et al. 2015 PMID: 25741868, with internal and published modifications).

Labcorp Genetics (formerly Invitae), Labcorp
Classification: Likely benign for Multiple endocrine neoplasia, type 1. Last evaluated: 2025-07-31. Review status: criteria provided, single submitter. Criteria: Invitae Variant Classification Sherloc (09022015). Collection method: clinical testing. Allele origin: germline.

Myriad Genetics, Inc.
Classification: Benign for Multiple endocrine neoplasia, type 1. Last evaluated: 2024-11-01. Review status: criteria provided, single submitter. Criteria: Myriad Autosomal Dominant, Autosomal Recessive and X-Linked Classification Criteria (2023). Collection method: clinical testing. Allele origin: unknown.
Comment: This variant is considered benign. This variant is a silent/synonymous amino acid change and it is not expected to impact splicing.

Blueprint Genetics
Classification: Likely benign. Last evaluated: 2023-08-25. Review status: criteria provided, single submitter. Criteria: ACMG Guidelines, 2015. Collection method: clinical testing. Allele origin: germline.

Ambry Genetics
Classification: Likely benign for Hereditary cancer-predisposing syndrome. Last evaluated: 2018-05-21. Review status: criteria provided, single submitter. Criteria: Ambry Variant Classification Scheme 2023. Collection method: clinical testing. Allele origin: germline.